The following is an entry in ClinVar:

NM_000091.5(COL4A3):c.782A>G (p.Lys261Arg)

Genes: COL4A3 (collagen type IV alpha 3 chain; plus strand), MFF-DT (MFF divergent transcript; minus strand). Cytogenetic location: 2q36.3.
Variant type: single nucleotide variant.
Coding change: c.782A>G on transcript NM_000091.5 (MANE Select); coding-DNA position 782, A replaced by G.
Protein change: p.Lys261Arg; replaces lysine 261 with arginine.
Molecular consequence: missense variant.
Genome position (GRCh38, 1-based): chr2:227,254,128, A>G. VCF-style: chr2-227254128-A-G. GRCh37 (hg19) VCF-style: chr2-228118844-A-G.
Other names: short protein forms K261R.
Identifiers: ClinVar variation 1305069 (VCV001305069.2), dbSNP rs769837137, ClinGen allele CA2146369.
Genomic context (GRCh38, chr2:227,254,128, plus strand): 5'-TCATTTCATCCATTTGTAACAATGTTGAACTGTTTCTTTGGCAGGACCTCAAGGGGGAAA[A>G]GGGAGACAAGGGAGCAATGGGCGAGCCTGGACCTCCTGGACCCTCAGTAGGTTATTTAAA-3'
Protein context (NP_000082.2, residues 251-271): PDNRTDLKGE[Lys261Arg]GDKGAMGEPG

ClinVar aggregate classification (germline): Uncertain significance (1 of 4 stars; one submission).

Allele frequency attached by ClinVar (database versions not stated): gnomAD exomes below 0.00001 and 0.00002; ExAC 0.00001; gnomAD 0.00001; TOPMed 0.00001.
gnomAD v4.1: 5 of 1,613,670 alleles (0.00031%); highest among the groups gnomAD compares: East Asian, 0.0089%; no homozygotes.

Submission:

GeneDx
Classification: Uncertain significance. Last evaluated: 2019-04-09. Review status: criteria provided, single submitter. Criteria: GeneDx Variant Classification Process June 2021. Collection method: clinical testing. Allele origin: germline. Affected: yes.
Comment: In silico analysis, which includes protein predictors and evolutionary conservation, supports that this variant does not alter protein structure/function; Has not been previously published as pathogenic or benign to our knowledge